The following is an entry in ClinVar:

ClinVar aggregate classification (germline): Uncertain significance (1 of 4 stars; one submission).

Submission:

Labcorp Genetics (formerly Invitae), Labcorp
Classification: Uncertain significance. Last evaluated: 2023-11-28. Review status: criteria provided, single submitter. Criteria: Invitae Variant Classification Sherloc (09022015). Collection method: clinical testing. Allele origin: germline.
Comment: This sequence change replaces methionine, which is neutral and non-polar, with leucine, which is neutral and non-polar, at codon 3128 of the KMT2A protein (p.Met3128Leu). This variant is not present in population databases (gnomAD no frequency). This variant has not been reported in the literature in individuals affected with KMT2A-related conditions. ClinVar contains an entry for this variant (Variation ID: 1959239). Advanced modeling of protein sequence and biophysical properties (such as structural, functional, and spatial information, amino acid conservation, physicochemical variation, residue mobility, and thermodynamic stability) performed at Invitae indicates that this missense variant is not expected to disrupt KMT2A protein function with a negative predictive value of 95%. In summary, the available evidence is currently insufficient to determine the role of this variant in disease. Therefore, it has been classified as a Variant of Uncertain Significance.

NM_001197104.2(KMT2A):c.9382A>C (p.Met3128Leu)

Gene: KMT2A (lysine methyltransferase 2A; plus strand). Cytogenetic location: 11q23.3.
Variant type: single nucleotide variant.
Coding change: c.9382A>C on transcript NM_001197104.2 (MANE Select); coding-DNA position 9382, A replaced by C.
Protein change: p.Met3128Leu; replaces methionine 3128 with leucine.
Molecular consequence: missense variant.
Genome position (GRCh38, 1-based): chr11:118,505,274, A>C. VCF-style: chr11-118505274-A-C. GRCh37 (hg19) VCF-style: chr11-118375989-A-C.
Other names: c.9472A>C, p.Met3158Leu (NM_001412597.1); c.9373A>C, p.Met3125Leu (NM_005933.4); short protein forms M3125L, M3128L, M3158L.
Identifiers: ClinVar variation 1959239 (VCV001959239.5), dbSNP rs2497018345, ClinGen allele CA382820220.
Genomic context (GRCh38, chr11:118,505,274, plus strand): 5'-ACCTCTTCTGTTAGTTCTACACCCAGTGTGATGGAGACAAATACTTCAGTATTGGGACCC[A>C]TGGGAGGTGGTCTCACCCTTACCACAGGACTAAATCCAAGCTTGCCAACTTCTCAATCTT-3'
Protein context (NP_001184033.1, residues 3118-3138): METNTSVLGP[Met3128Leu]GGGLTLTTGL